The following is an entry in ClinVar:

ClinVar aggregate classification (germline): Uncertain significance (1 of 4 stars; one submission).

Submission:

GeneDx
Classification: Uncertain significance. Last evaluated: 2023-11-14. Review status: criteria provided, single submitter. Criteria: GeneDx Variant Classification Process June 2021. Collection method: clinical testing. Allele origin: germline. Affected: yes.
Comment: Not observed at significant frequency in large population cohorts (gnomAD); In silico analysis supports that this missense variant has a deleterious effect on protein structure/function; Has not been previously published as pathogenic or benign to our knowledge; This variant is associated with the following publications: (PMID: 15537665)

NM_022124.6(CDH23):c.5021T>C (p.Ile1674Thr)

Gene: CDH23 (cadherin related 23; plus strand). Cytogenetic location: 10q22.1.
Variant type: single nucleotide variant.
Coding change: c.5021T>C on transcript NM_022124.6 (MANE Select); coding-DNA position 5021, T replaced by C.
Protein change: p.Ile1674Thr; replaces isoleucine 1674 with threonine.
Molecular consequence: missense variant.
Genome position (GRCh38, 1-based): chr10:71,777,855, T>C. VCF-style: chr10-71777855-T-C. GRCh37 (hg19) VCF-style: chr10-73537612-T-C.
Other names: short protein forms I1674T.
Identifiers: ClinVar variation 3364118 (VCV003364118.1).